The following is an entry in ClinVar:

ClinVar aggregate classification (germline): Likely pathogenic (1 of 4 stars; one submission).

gnomAD v4.1: 3 of 1,607,382 alleles (0.00019%); highest among the groups gnomAD compares: Non-Finnish European, 0.00026%; no homozygotes.

Submission:

Labcorp Genetics (formerly Invitae), Labcorp
Classification: Likely pathogenic. Last evaluated: 2025-05-27. Review status: criteria provided, single submitter. Criteria: Invitae Variant Classification Sherloc (09022015). Collection method: clinical testing. Allele origin: germline.
Comment: This sequence change affects a donor splice site in intron 6 of the CDC14A gene. It is expected to disrupt RNA splicing. Variants that disrupt the donor or acceptor splice site typically lead to a loss of protein function (PMID: 16199547), and loss-of-function variants in CDC14A are known to be pathogenic (PMID: 27259055). This variant is not present in population databases (gnomAD no frequency). This variant has not been reported in the literature in individuals affected with CDC14A-related conditions. Algorithms developed to predict the effect of sequence changes on RNA splicing suggest that this variant may disrupt the consensus splice site. In summary, the currently available evidence indicates that the variant is pathogenic, but additional data are needed to prove that conclusively. Therefore, this variant has been classified as Likely Pathogenic.

Literature cited by the submitters: PubMed 16199547; PubMed 27259055.

NM_003672.4(CDC14A):c.456+2T>G

Gene: CDC14A (cell division cycle 14A; plus strand). Cytogenetic location: 1p21.2.
Variant type: single nucleotide variant.
Coding change: c.456+2T>G on transcript NM_003672.4 (MANE Select); the canonical splice donor site of the intron after coding-DNA position 456, T replaced by G.
Molecular consequence: splice donor variant.
Genome position (GRCh38, 1-based): chr1:100,440,000, T>G. VCF-style: chr1-100440000-T-G. GRCh37 (hg19) VCF-style: chr1-100905556-T-G.
Other names: c.282+2T>G (NM_001319211.2); c.456+2T>G (NM_001319210.2, NM_033312.3, NM_033313.3); c.-336+2T>G (NM_001319212.2).
Identifiers: ClinVar variation 4691173 (VCV004691173.1).